The following is an entry in ClinVar:

NM_152564.5(VPS13B):c.6039T>A (p.Asn2013Lys)

Gene: VPS13B (vacuolar protein sorting 13 homolog B; plus strand). Cytogenetic location: 8q22.2.
Variant type: single nucleotide variant.
Coding change: c.6039T>A on transcript NM_152564.5 (MANE Select); coding-DNA position 6039, T replaced by A.
Protein change: p.Asn2013Lys; replaces asparagine 2013 with lysine.
Molecular consequence: missense variant.
Genome position (GRCh38, 1-based): chr8:99,661,484, T>A. VCF-style: chr8-99661484-T-A. GRCh37 (hg19) VCF-style: chr8-100673712-T-A.
Other names: c.6114T>A, p.Asn2038Lys (NM_017890.5); short protein forms N2013K, N2038K.
Identifiers: ClinVar variation 1380572 (VCV001380572.6), dbSNP rs1211147648, ClinGen allele CA371869182.

ClinVar aggregate classification (germline): Uncertain significance (1 of 4 stars; one submission).

Conditions:
Cohen syndrome (COH1). Also called: Cutis verticis gyrata, retinitis pigmentosa, and sensorineural deafness; PEPPER SYNDROME. Identifiers: Orphanet 193, MedGen C0265223, MONDO:0008999, OMIM 216550.

Submission:

Labcorp Genetics (formerly Invitae), Labcorp
Classification: Uncertain significance for Cohen syndrome. Last evaluated: 2021-09-10. Review status: criteria provided, single submitter. Criteria: Invitae Variant Classification Sherloc (09022015). Collection method: clinical testing. Allele origin: germline.
Comment: This sequence change replaces asparagine with lysine at codon 2038 of the VPS13B protein (p.Asn2038Lys). The asparagine residue is moderately conserved and there is a moderate physicochemical difference between asparagine and lysine. This variant is not present in population databases (ExAC no frequency). In summary, the available evidence is currently insufficient to determine the role of this variant in disease. Therefore, it has been classified as a Variant of Uncertain Significance. Algorithms developed to predict the effect of missense changes on protein structure and function are either unavailable or do not agree on the potential impact of this missense change (SIFT: "Not Available"; PolyPhen-2: "Probably Damaging"; Align-GVGD: "Not Available"). This variant has not been reported in the literature in individuals affected with VPS13B-related conditions.